The following is an entry in ClinVar:

ClinVar aggregate classification (germline): Uncertain significance (1 of 4 stars; one submission).

Conditions:
Spastic paraplegia. Identifiers: MedGen C0037772, HP:0001258.

Submission:

Labcorp Genetics (formerly Invitae), Labcorp
Classification: Uncertain significance for Spastic paraplegia. Last evaluated: 2018-01-19. Review status: criteria provided, single submitter. Criteria: Invitae Variant Classification Sherloc (09022015). Collection method: clinical testing. Allele origin: germline.
Comment: A gross duplication of the genomic region encompassing the full coding sequence of the GJC2 gene has been identified. The boundaries of this event are unknown as the duplication extends beyond the assayed region for this gene and therefore may encompass additional genes. As the precise location of this duplication is unknown, it may be in tandem or it may be located elsewhere in the genome. This variant has not been reported in the literature in individuals with GJC2-related disease. In summary, the available evidence is currently insufficient to determine the role of this variant in disease. Therefore, it has been classified as a Variant of Uncertain Significance.

NC_000001.10:g.(?_228345440)_(228363234_?)dup

Genes: GJC2 (gap junction protein gamma 2; plus strand), IBA57 (iron-sulfur cluster assembly factor IBA57; plus strand). Cytogenetic location: 1q42.13.
Variant type: Duplication.
Identifiers: ClinVar variation 1015958 (VCV001015958.1).